The following is an entry in ClinVar:

ClinVar aggregate classification (germline): Benign/Likely benign. Review status: criteria provided, multiple submitters, no conflicts (2 of 4 stars). 4 submissions from 4 submitters: Benign (1); Likely benign (3). Last evaluated 2026-07-09.

Conditions:
Rhabdoid tumor predisposition syndrome 2 (RTPS2). Identifiers: Orphanet 231108, Orphanet 69077, MedGen C2750074, MONDO:0013224, OMIM 613325.
Hereditary cancer-predisposing syndrome. Also called: Hereditary Cancer Syndrome; Hereditary neoplastic syndrome; Neoplastic Syndromes, Hereditary; Tumor predisposition. Identifiers: Orphanet 140162, MedGen C0027672, MeSH D009386, MONDO:0015356.

Allele frequency attached by ClinVar (database versions not stated): ExAC 0.00001; TOPMed below 0.00001; gnomAD exomes below 0.00001; gnomAD 0.00001.
gnomAD v4.1: 4 of 1,608,562 alleles (0.00025%); highest among the groups gnomAD compares: Admixed American, 0.0017%; no homozygotes.

Submissions (4):

Myriad Genetics, Inc.
Classification: Benign for Rhabdoid tumor predisposition syndrome 2. Last evaluated: 2026-07-09. Review status: criteria provided, single submitter. Criteria: Myriad Autosomal Dominant, Autosomal Recessive and X-Linked Classification Criteria (2023). Collection method: clinical testing. Allele origin: unknown.
Comment: This variant is considered benign. This variant is a silent/synonymous amino acid change and it is not expected to impact splicing.

Labcorp Genetics (formerly Invitae), Labcorp
Classification: Likely benign for Rhabdoid tumor predisposition syndrome 2. Last evaluated: 2025-12-21. Review status: criteria provided, single submitter. Criteria: Invitae Variant Classification Sherloc (09022015). Collection method: clinical testing. Allele origin: germline.

Blueprint Genetics
Classification: Likely benign. Last evaluated: 2020-03-10. Review status: criteria provided, single submitter. Criteria: ACMG Guidelines, 2015. Collection method: clinical testing. Allele origin: germline.

Ambry Genetics
Classification: Likely benign for Hereditary cancer-predisposing syndrome. Last evaluated: 2016-05-12. Review status: criteria provided, single submitter. Criteria: Ambry Variant Classification Scheme 2023. Collection method: clinical testing. Allele origin: germline.

NM_003072.5(SMARCA4):c.1020G>A (p.Ala340=)

Gene: SMARCA4 (SWI/SNF related BAF chromatin remodeling complex subunit ATPase 4; plus strand). Cytogenetic location: 19p13.2.
Variant type: single nucleotide variant.
Coding change: c.1020G>A on transcript NM_003072.5 (MANE Select); coding-DNA position 1020, G replaced by A.
Protein change: p.Ala340=; no amino-acid change (alanine 340 retained).
Molecular consequence: synonymous variant. On other transcripts: non-coding transcript variant (1).
Genome position (GRCh38, 1-based): chr19:10,987,826, G>A. VCF-style: chr19-10987826-G-A. GRCh37 (hg19) VCF-style: chr19-11098502-G-A.
Other names: c.1020G>A, p.Ala340= (NM_001128847.4, NM_001128848.2, NM_001128849.3 and 5 more transcripts).
Identifiers: ClinVar variation 470222 (VCV000470222.18), dbSNP rs778158927, ClinGen allele CA9203659.